The following is an entry in ClinVar:

ClinVar aggregate classification (germline): Uncertain significance (1 of 4 stars; one submission).

Conditions:
PHGDH deficiency. Identifiers: Orphanet 79351, MedGen C1866174, MONDO:0011152, OMIM 601815.

Allele frequency attached by ClinVar (database versions not stated): gnomAD exomes below 0.00001; ExAC 0.00001.
gnomAD v4.1: 7 of 1,614,132 alleles (0.00043%); highest among the groups gnomAD compares: South Asian, 0.0077%; no homozygotes.

Submission:

Labcorp Genetics (formerly Invitae), Labcorp
Classification: Uncertain significance for PHGDH deficiency. Last evaluated: 2021-09-01. Review status: criteria provided, single submitter. Criteria: Invitae Variant Classification Sherloc (09022015). Collection method: clinical testing. Allele origin: germline.
Comment: This sequence change replaces glutamic acid with aspartic acid at codon 40 of the PHGDH protein (p.Glu40Asp). The glutamic acid residue is moderately conserved and there is a small physicochemical difference between glutamic acid and aspartic acid. This variant is present in population databases (rs745693493, ExAC 0.006%). This variant has not been reported in the literature in individuals affected with PHGDH-related conditions. Algorithms developed to predict the effect of missense changes on protein structure and function (SIFT, PolyPhen-2, Align-GVGD) all suggest that this variant is likely to be tolerated. In summary, the available evidence is currently insufficient to determine the role of this variant in disease. Therefore, it has been classified as a Variant of Uncertain Significance.

NM_006623.4(PHGDH):c.120G>T (p.Glu40Asp)

Gene: PHGDH (phosphoglycerate dehydrogenase; plus strand). Cytogenetic location: 1p12.
Variant type: single nucleotide variant.
Coding change: c.120G>T on transcript NM_006623.4 (MANE Select); coding-DNA position 120, G replaced by T.
Protein change: p.Glu40Asp; replaces glutamic acid 40 with aspartic acid.
Molecular consequence: missense variant.
Genome position (GRCh38, 1-based): chr1:119,712,142, G>T. VCF-style: chr1-119712142-G-T. GRCh37 (hg19) VCF-style: chr1-120254765-G-T.
Other names: short protein forms E40D.
Identifiers: ClinVar variation 1397494 (VCV001397494.5), dbSNP rs745693493, ClinGen allele CA1036916.